The following is an entry in ClinVar:

NM_000237.3(LPL):c.573T>G (p.Tyr191Ter)

Gene: LPL (lipoprotein lipase; plus strand). Cytogenetic location: 8p21.3.
Variant type: single nucleotide variant.
Coding change: c.573T>G on transcript NM_000237.3 (MANE Select); coding-DNA position 573, T replaced by G.
Protein change: p.Tyr191Ter; replaces tyrosine 191 with a stop codon.
Molecular consequence: nonsense.
Genome position (GRCh38, 1-based): chr8:19,954,151, T>G. VCF-style: chr8-19954151-T-G. GRCh37 (hg19) VCF-style: chr8-19811662-T-G.
Other names: short protein forms Y191*.
Identifiers: ClinVar variation 2814855 (VCV002814855.4), dbSNP rs2069961546, ClinGen allele CA370468321.

ClinVar aggregate classification (germline): Pathogenic/Likely pathogenic. Review status: criteria provided, multiple submitters, no conflicts (2 of 4 stars). 2 submissions from 2 submitters: Pathogenic (1); Likely pathogenic (1). Last evaluated 2023-04-06.

Conditions:
Hyperlipoproteinemia, type I. Also called: Lipoprotein Lipase Deficiency; HYPERLIPOPROTEINEMIA, TYPE IA; LPL DEFICIENCY; Lipase D deficiency; Familial Lipoprotein Lipase Deficiency; Familial hyperlipo-proteinemia type 1. Identifiers: Orphanet 309015, Orphanet 444490, MedGen C0023817, MONDO:0009387, OMIM 238600. Disease mechanism: loss of function.

Allele frequency attached by ClinVar (database versions not stated): gnomAD exomes below 0.00001.
gnomAD v4.1: 1 of 1,614,236 alleles (0.000062%); highest among the groups gnomAD compares: South Asian, 0.0011%; no homozygotes.

Submissions (2):

Labcorp Genetics (formerly Invitae), Labcorp
Classification: Pathogenic. Last evaluated: 2023-04-06. Review status: criteria provided, single submitter. Criteria: Invitae Variant Classification Sherloc (09022015). Collection method: clinical testing. Allele origin: germline.
Comment: For these reasons, this variant has been classified as Pathogenic. This variant has not been reported in the literature in individuals affected with LPL-related conditions. This variant is not present in population databases (gnomAD no frequency). This sequence change creates a premature translational stop signal (p.Tyr191*) in the LPL gene. It is expected to result in an absent or disrupted protein product. Loss-of-function variants in LPL are known to be pathogenic (PMID: 11334614).

Neuberg Centre For Genomic Medicine, NCGM
Classification: Likely pathogenic for Hyperlipoproteinemia, type I. Review status: criteria provided, single submitter. Criteria: ACMG Guidelines, 2015. Collection method: clinical testing. Allele origin: germline. Inheritance: Autosomal recessive inheritance. Affected: yes.
Comment: The stop gained c.573T>Gp.Tyr191Ter variant has not been reported previously as a pathogenic variant nor as a benign variant, to our knowledge. The c.573T>G variant is novel not in any individuals in gnomAD Exomes and 1000 Genomes database. This variant has not been reported to the ClinVar database. The nucleotide change c.573T>G in LPL is predicted as conserved by PhyloP across 100 vertebrates. This variant is predicted to cause loss of normal protein function through protein truncation. Loss of function variants have been previously reported to be disease causing. For these reasons, this variant has been classified as Likely Pathogenic.

Literature cited by the submitters: PubMed 11334614 (cited by Labcorp Genetics (formerly Invitae), Labcorp).